The following is an entry in ClinVar:

ClinVar aggregate classification (germline): Conflicting classifications of pathogenicity. Review status: criteria provided, conflicting classifications (1 of 4 stars). 3 submissions from 3 submitters: Uncertain significance (2); Likely benign (1). Last evaluated 2026-02-02.

Conditions:
VCAN-related disorder. Also called: VCAN-related condition.

Allele frequency attached by ClinVar (database versions not stated): gnomAD exomes 0.00004; gnomAD 0.00005 and 0.00006; ExAC 0.00006; TOPMed 0.00007; 1000 Genomes Project 0.00040; 1000 Genomes Project 30x 0.00047.
gnomAD v4.1: 29 of 1,613,810 alleles (0.0018%); highest among the groups gnomAD compares: African/African-American, 0.013%; no homozygotes.

Submissions (3):

PreventionGenetics, part of Exact Sciences
Classification: Uncertain significance for VCAN-related condition. Last evaluated: 2026-02-02. Review status: criteria provided, single submitter. Criteria: ACMG Guidelines, 2015. Collection method: clinical testing. Allele origin: germline.
Comment: The VCAN c.7567C>T variant is predicted to result in the amino acid substitution p.Arg2523Cys. To our knowledge, this variant has not been reported in the literature. This variant is reported in 0.019% of alleles in individuals of African descent in gnomAD. At this time, the clinical significance of this variant is uncertain due to the absence of conclusive functional and genetic evidence.

Labcorp Genetics (formerly Invitae), Labcorp
Classification: Uncertain significance. Last evaluated: 2025-03-17. Review status: criteria provided, single submitter. Criteria: Invitae Variant Classification Sherloc (09022015). Collection method: clinical testing. Allele origin: germline.
Comment: This sequence change replaces arginine, which is basic and polar, with cysteine, which is neutral and slightly polar, at codon 2523 of the VCAN protein (p.Arg2523Cys). This variant is present in population databases (rs554820599, gnomAD 0.02%). This variant has not been reported in the literature in individuals affected with VCAN-related conditions. ClinVar contains an entry for this variant (Variation ID: 1405966). An algorithm developed to predict the effect of missense changes on protein structure and function (PolyPhen-2) suggests that this variant is likely to be tolerated. In summary, the available evidence is currently insufficient to determine the role of this variant in disease. Therefore, it has been classified as a Variant of Uncertain Significance.

Blueprint Genetics
Classification: Likely benign. Last evaluated: 2022-04-03. Review status: criteria provided, single submitter. Criteria: ACMG Guidelines, 2015. Collection method: clinical testing. Allele origin: germline.

NM_004385.5(VCAN):c.7567C>T (p.Arg2523Cys)

Genes: VCAN (versican; plus strand), VCAN-AS1 (VCAN antisense RNA 1; minus strand). Cytogenetic location: 5q14.3.
Variant type: single nucleotide variant.
Coding change: c.7567C>T on transcript NM_004385.5 (MANE Select); coding-DNA position 7567, C replaced by T.
Protein change: p.Arg2523Cys; replaces arginine 2523 with cysteine.
Molecular consequence: missense variant. On other transcripts: intron variant (2).
Genome position (GRCh38, 1-based): chr5:83,540,570, C>T. VCF-style: chr5-83540570-C-T. GRCh37 (hg19) VCF-style: chr5-82836389-C-T.
Other names: c.4606C>T, p.Arg1536Cys (NM_001164097.2); c.4004-4967C>T (NM_001164098.2); c.1043-4967C>T (NM_001126336.3); c.7567C>T (NM_004385.4); short protein forms R2523C, R1536C.
Identifiers: ClinVar variation 1405966 (VCV001405966.8), dbSNP rs554820599, ClinGen allele CA3333663.